The following is an entry in ClinVar:

NM_001134407.3(GRIN2A):c.3940A>G (p.Lys1314Glu)

Gene: GRIN2A (glutamate ionotropic receptor NMDA type subunit 2A; minus strand). Cytogenetic location: 16p13.2.
Variant type: single nucleotide variant.
Coding change: c.3940A>G on transcript NM_001134407.3 (MANE Select); coding-DNA position 3940, A replaced by G.
Protein change: p.Lys1314Glu; replaces lysine 1314 with glutamic acid.
Molecular consequence: missense variant. On other transcripts: intron variant (1).
Genome position (GRCh38, 1-based): chr16:9,763,604, T>C on the plus strand (A>G on the coding strand, the complement: GRIN2A is on the minus strand). VCF-style: chr16-9763604-T-C. GRCh37 (hg19) VCF-style: chr16-9857461-T-C.
Other names: c.3940A>G, p.Lys1314Glu (NM_000833.5); c.3772+168A>G (NM_001134408.2); short protein forms K1314E.
Identifiers: ClinVar variation 2851544 (VCV002851544.3), dbSNP rs1555482148, ClinGen allele CA394706518.

ClinVar aggregate classification (germline): Uncertain significance (1 of 4 stars; one submission).

Conditions:
Landau-Kleffner syndrome (FESD). Also called: EPILEPSY, FOCAL, WITH SPEECH DISORDER AND WITH OR WITHOUT MENTAL RETARDATION; APHASIA, ACQUIRED, WITH EPILEPSY. Identifiers: Orphanet 1945, Orphanet 725, Orphanet 98818, MedGen C0282512, MONDO:0009509, OMIM 245570.

Submission:

Labcorp Genetics (formerly Invitae), Labcorp
Classification: Uncertain significance for Landau-Kleffner syndrome. Last evaluated: 2023-05-13. Review status: criteria provided, single submitter. Criteria: Invitae Variant Classification Sherloc (09022015). Collection method: clinical testing. Allele origin: germline.
Comment: This variant has not been reported in the literature in individuals affected with GRIN2A-related conditions. This variant is not present in population databases (gnomAD no frequency). This sequence change replaces lysine, which is basic and polar, with glutamic acid, which is acidic and polar, at codon 1314 of the GRIN2A protein (p.Lys1314Glu). Advanced modeling of protein sequence and biophysical properties (such as structural, functional, and spatial information, amino acid conservation, physicochemical variation, residue mobility, and thermodynamic stability) performed at Invitae indicates that this missense variant is not expected to disrupt GRIN2A protein function. In summary, the available evidence is currently insufficient to determine the role of this variant in disease. Therefore, it has been classified as a Variant of Uncertain Significance.